The following is an entry in ClinVar:

NM_030928.4(CDT1):c.212G>T (p.Arg71Leu)

Gene: CDT1 (chromatin licensing and DNA replication factor 1; plus strand). Cytogenetic location: 16q24.3.
Variant type: single nucleotide variant.
Coding change: c.212G>T on transcript NM_030928.4 (MANE Select); coding-DNA position 212, G replaced by T.
Protein change: p.Arg71Leu; replaces arginine 71 with leucine.
Molecular consequence: missense variant.
Genome position (GRCh38, 1-based): chr16:88,804,043, G>T. VCF-style: chr16-88804043-G-T. GRCh37 (hg19) VCF-style: chr16-88870451-G-T.
Other names: short protein forms R71L.
Identifiers: ClinVar variation 1414858 (VCV001414858.6), dbSNP rs753921598, ClinGen allele CA397070686.
Genomic context (GRCh38, chr16:88,804,043, plus strand): 5'-CCCGCCCGCCCGCCGCCCCCGGACGCGACCAGGCCAGGCCACCGGCCCGCAGGAGACTGC[G>T]GCTGTCGGTGGACGAGGTGAGGGGCGTGGGGAGACTGAGGCCGGGGAGTTGGGGGCGGGG-3'
Protein context (NP_112190.2, residues 61-81): QARPPARRRL[Arg71Leu]LSVDEVSSPS

ClinVar aggregate classification (germline): Uncertain significance (1 of 4 stars; one submission).

Submission:

Labcorp Genetics (formerly Invitae), Labcorp
Classification: Uncertain significance. Last evaluated: 2021-09-04. Review status: criteria provided, single submitter. Criteria: Invitae Variant Classification Sherloc (09022015). Collection method: clinical testing. Allele origin: germline.
Comment: The frequency data for this variant in the population databases is considered unreliable, as metrics indicate insufficient coverage at this position in the ExAC database. In summary, the available evidence is currently insufficient to determine the role of this variant in disease. Therefore, it has been classified as a Variant of Uncertain Significance. Algorithms developed to predict the effect of missense changes on protein structure and function (SIFT, PolyPhen-2, Align-GVGD) all suggest that this variant is likely to be tolerated. This variant has not been reported in the literature in individuals affected with CDT1-related conditions. This sequence change replaces arginine with leucine at codon 71 of the CDT1 protein (p.Arg71Leu). The arginine residue is weakly conserved and there is a moderate physicochemical difference between arginine and leucine.